The following is an entry in ClinVar:

ClinVar aggregate classification (germline): Conflicting classifications of pathogenicity. Review status: criteria provided, conflicting classifications (1 of 4 stars). 3 submissions from 3 submitters: Uncertain significance (2); Likely benign (1). Last evaluated 2022-06-27.

Conditions:
Netherton syndrome (NETH). Also called: NETHERTON DISEASE; ERYTHRODERMA, ICHTHYOSIFORM, WITH HYPOTRICHOSIS AND HYPER-IgE; COMEL-NETHERTON SYNDROME. Identifiers: Orphanet 634, MedGen C5574950, MONDO:0009735, OMIM 256500.

Allele frequency attached by ClinVar (database versions not stated): TOPMed 0.00004; gnomAD exomes 0.00006 and 0.00008; ExAC 0.00007; gnomAD 0.00007.
gnomAD v4.1: 103 of 1,613,922 alleles (0.0064%); highest among the groups gnomAD compares: Non-Finnish European, 0.0079%; no homozygotes.

Submissions (3):

Labcorp Genetics (formerly Invitae), Labcorp
Classification: Uncertain significance for Ichthyosis linearis circumflexa. Last evaluated: 2022-06-27. Review status: criteria provided, single submitter. Criteria: Invitae Variant Classification Sherloc (09022015). Collection method: clinical testing. Allele origin: germline.
Comment: This sequence change affects codon 747 of the SPINK5 mRNA. It is a 'silent' change, meaning that it does not change the encoded amino acid sequence of the SPINK5 protein. It affects a nucleotide within the consensus splice site. This variant is present in population databases (rs759451448, gnomAD 0.01%). This variant has not been reported in the literature in individuals affected with SPINK5-related conditions. ClinVar contains an entry for this variant (Variation ID: 351530). Algorithms developed to predict the effect of sequence changes on RNA splicing suggest that this variant is not likely to affect RNA splicing. In summary, the available evidence is currently insufficient to determine the role of this variant in disease. Therefore, it has been classified as a Variant of Uncertain Significance.

Blueprint Genetics
Classification: Likely benign. Last evaluated: 2022-06-13. Review status: criteria provided, single submitter. Criteria: ACMG Guidelines, 2015. Collection method: clinical testing. Allele origin: germline.

Illumina Laboratory Services, Illumina
Classification: Uncertain significance for Netherton syndrome. Last evaluated: 2018-01-13. Review status: criteria provided, single submitter. Criteria: ICSL Variant Classification Criteria 13 December 2019. Collection method: clinical testing. Allele origin: germline.

NM_006846.4(SPINK5):c.2239T>C (p.Leu747=)

Gene: SPINK5 (serine peptidase inhibitor Kazal type 5; plus strand). Cytogenetic location: 5q32.
Variant type: single nucleotide variant.
Coding change: c.2239T>C on transcript NM_006846.4 (MANE Select); coding-DNA position 2239, T replaced by C.
Protein change: p.Leu747=; no amino-acid change (leucine 747 retained).
Molecular consequence: synonymous variant.
Genome position (GRCh38, 1-based): chr5:148,118,563, T>C. VCF-style: chr5-148118563-T-C. GRCh37 (hg19) VCF-style: chr5-147498126-T-C.
Other names: c.2239T>C, p.Leu747= (NM_001127698.2, NM_001127699.2).
Identifiers: ClinVar variation 351530 (VCV000351530.10), dbSNP rs759451448, ClinGen allele CA3495900.